The following is an entry in ClinVar:

NM_003072.5(SMARCA4):c.4148_4159del (p.Leu1383_Lys1386del)

Gene: SMARCA4 (SWI/SNF related BAF chromatin remodeling complex subunit ATPase 4; plus strand). Cytogenetic location: 19p13.2.
Variant type: Deletion.
Coding change: c.4148_4159del on transcript NM_003072.5 (MANE Select); coding-DNA positions 4148 to 4159, 12 bases deleted (TGACGGAGAAGC).
Protein change: p.Leu1383_Lys1386del.
Molecular consequence: inframe deletion. On other transcripts: inframe indel (1), non-coding transcript variant (1).
Genome position (GRCh38, 1-based): chr19:11,035,110-11,035,121, TGACGGAGAAGC deleted; deleting any 12 consecutive bases within chr19:11,035,109-11,035,121 gives the same sequence; the c. name uses the placement nearest the transcript's 3' end. VCF-style (leftmost placement, unchanged base first): chr19-11035108-ACTGACGGAGAAG-A. GRCh37 (hg19) VCF-style: chr19-11145784-ACTGACGGAGAAG-A.
Other names: c.4148_4159del, p.Leu1383_Lys1386del (NM_001128844.3, NM_001128849.3, NM_001387283.1); c.4049_4060del, p.Leu1350_Lys1353del (NM_001128845.2, NM_001128846.2, NM_001128847.4 and 2 more transcripts); c.4049_4060delTGACGGAGAAGC, p.Leu1350_Lys1353del (NM_001411150.1).
Identifiers: ClinVar variation 2014510 (VCV002014510.4), dbSNP rs2515356901, ClinGen allele CA2580096450.
Genomic context (GRCh38, chr19:11,035,108, plus strand): 5'-GGAGGAGAAGATGTTCGGCCGTGGCTCCCGCCACCGCAAGGAGGTGGACTACAGCGACTC[ACTGACGGAGAAG>A]CAGTGGCTCAAGGTACATGCTGGAGAGGCCCAGCAGCTGCCGCAGGCCAGCGCCAGGCAG-3'

ClinVar aggregate classification (germline): Uncertain significance (1 of 4 stars; one submission).

Conditions:
Rhabdoid tumor predisposition syndrome 2 (RTPS2). Identifiers: Orphanet 231108, Orphanet 69077, MedGen C2750074, MONDO:0013224, OMIM 613325.

Submission:

Labcorp Genetics (formerly Invitae), Labcorp
Classification: Uncertain significance for Rhabdoid tumor predisposition syndrome 2. Last evaluated: 2022-07-13. Review status: criteria provided, single submitter. Criteria: Invitae Variant Classification Sherloc (09022015). Collection method: clinical testing. Allele origin: germline.
Comment: This variant, c.4148_4159del, results in the deletion of 4 amino acid(s) of the SMARCA4 protein (p.Leu1383_Lys1386del), but otherwise preserves the integrity of the reading frame. This variant is not present in population databases (gnomAD no frequency). This variant has not been reported in the literature in individuals affected with SMARCA4-related conditions. Experimental studies and prediction algorithms are not available or were not evaluated, and the functional significance of this variant is currently unknown. In summary, the available evidence is currently insufficient to determine the role of this variant in disease. Therefore, it has been classified as a Variant of Uncertain Significance.